The following is an entry in ClinVar:

NM_006204.4(PDE6C):c.1574del (p.Gly525fs)

Gene: PDE6C (phosphodiesterase 6C; plus strand). Cytogenetic location: 10q23.33.
Variant type: Deletion.
Coding change: c.1574del on transcript NM_006204.4 (MANE Select); coding-DNA position 1574, one base deleted (G; older notation c.1574delG).
Protein change: p.Gly525fs; shifts the reading frame from glycine 525.
Molecular consequence: frameshift variant.
Genome position (GRCh38, 1-based): chr10:93,640,161, G deleted; the last of 2 consecutive G bases (chr10:93,640,160-93,640,161); deleting either gives the same sequence. VCF-style (leftmost placement, unchanged base first): chr10-93640159-TG-T. GRCh37 (hg19) VCF-style: chr10-95399916-TG-T.
Other names: short protein forms G525fs.
Identifiers: ClinVar variation 3631169 (VCV003631169.2).

ClinVar aggregate classification (germline): Pathogenic (1 of 4 stars; one submission).

Submission:

Labcorp Genetics (formerly Invitae), Labcorp
Classification: Pathogenic. Last evaluated: 2024-02-16. Review status: criteria provided, single submitter. Criteria: Invitae Variant Classification Sherloc (09022015). Collection method: clinical testing. Allele origin: germline.
Comment: This sequence change creates a premature translational stop signal (p.Gly525Glufs*8) in the PDE6C gene. It is expected to result in an absent or disrupted protein product. Loss-of-function variants in PDE6C are known to be pathogenic (PMID: 19887631, 23776498, 26103963, 30080950). This variant is not present in population databases (gnomAD no frequency). This variant has not been reported in the literature in individuals affected with PDE6C-related conditions. Algorithms developed to predict the effect of sequence changes on RNA splicing suggest that this variant may disrupt the consensus splice site. For these reasons, this variant has been classified as Pathogenic.

Literature cited by the submitters: PubMed 19887631; PubMed 23776498; PubMed 26103963; PubMed 30080950.